The following is an entry in ClinVar:

ClinVar aggregate classification (germline): Uncertain significance. Review status: criteria provided, multiple submitters, no conflicts (2 of 4 stars). 2 submissions from 2 submitters: Uncertain significance (2). Last evaluated 2022-07-14.

Conditions:
Primary ciliary dyskinesia. Also called: Ciliary dyskinesia. Identifiers: Orphanet 244, MedGen C0008780, MONDO:0016575, HP:0012265.
Primary ciliary dyskinesia 23 (CILD23). Also called: CILIARY DYSKINESIA, PRIMARY, 23, WITH OR WITHOUT SITUS INVERSUS. Identifiers: Orphanet 244, MedGen C3809548, MONDO:0014193, OMIM 615451.

Allele frequency attached by ClinVar (database versions not stated): gnomAD 0.00004 and 0.00005; TOPMed 0.00006; ExAC 0.00007; gnomAD exomes 0.00007; 1000 Genomes Project 30x 0.00016; 1000 Genomes Project 0.00020.
gnomAD v4.1: 102 of 1,614,126 alleles (0.0063%); highest among the groups gnomAD compares: Non-Finnish European, 0.0082%; 1 homozygote.

Submissions (2):

Labcorp Genetics (formerly Invitae), Labcorp
Classification: Uncertain significance for Primary ciliary dyskinesia 23. Last evaluated: 2022-07-14. Review status: criteria provided, single submitter. Criteria: Invitae Variant Classification Sherloc (09022015). Collection method: clinical testing. Allele origin: germline.
Comment: This sequence change replaces histidine, which is basic and polar, with glutamine, which is neutral and polar, at codon 941 of the ARMC4 protein (p.His941Gln). This variant is present in population databases (rs575075615, gnomAD 0.01%). This variant has not been reported in the literature in individuals affected with ARMC4-related conditions. ClinVar contains an entry for this variant (Variation ID: 541498). Algorithms developed to predict the effect of missense changes on protein structure and function are either unavailable or do not agree on the potential impact of this missense change (SIFT: "Deleterious"; PolyPhen-2: "Probably Damaging"; Align-GVGD: "Class C0"). In summary, the available evidence is currently insufficient to determine the role of this variant in disease. Therefore, it has been classified as a Variant of Uncertain Significance.

Ambry Genetics
Classification: Uncertain significance for Primary ciliary dyskinesia. Last evaluated: 2022-05-30. Review status: criteria provided, single submitter. Criteria: Ambry Variant Classification Scheme 2023. Collection method: clinical testing. Allele origin: germline.
Comment: The p.H941Q variant (also known as c.2823T>G), located in coding exon 18 of the ARMC4 gene, results from a T to G substitution at nucleotide position 2823. The histidine at codon 941 is replaced by glutamine, an amino acid with highly similar properties. This amino acid position is conserved. In addition, the in silico prediction for this alteration is inconclusive. Since supporting evidence is limited at this time, the clinical significance of this alteration remains unclear.

NM_018076.5(ODAD2):c.2823T>G (p.His941Gln)

Gene: ODAD2 (outer dynein arm docking complex subunit 2; minus strand). Cytogenetic location: 10p12.1.
Variant type: single nucleotide variant.
Coding change: c.2823T>G on transcript NM_018076.5 (MANE Select); coding-DNA position 2823, T replaced by G.
Protein change: p.His941Gln; replaces histidine 941 with glutamine.
Molecular consequence: missense variant.
Genome position (GRCh38, 1-based): chr10:27,860,823, A>C on the plus strand (T>G on the coding strand, the complement: ODAD2 is on the minus strand). VCF-style: chr10-27860823-A-C. GRCh37 (hg19) VCF-style: chr10-28149752-A-C.
Other names: c.2823T>G, p.His941Gln (NM_001290020.2); c.1398T>G, p.His466Gln (NM_001290021.2); c.1899T>G, p.His633Gln (NM_001312689.2); short protein forms H941Q, H466Q, H633Q.
Identifiers: ClinVar variation 541498 (VCV000541498.8), dbSNP rs575075615, ClinGen allele CA5453089.